The following is an entry in ClinVar:

NM_001106.4(ACVR2B):c.1532G>A (p.Ser511Asn)

Gene: ACVR2B (activin A receptor type 2B; plus strand). Cytogenetic location: 3p22.2.
Variant type: single nucleotide variant.
Coding change: c.1532G>A on transcript NM_001106.4 (MANE Select); coding-DNA position 1532, G replaced by A.
Protein change: p.Ser511Asn; replaces serine 511 with asparagine.
Molecular consequence: missense variant.
Genome position (GRCh38, 1-based): chr3:38,483,325, G>A. VCF-style: chr3-38483325-G-A. GRCh37 (hg19) VCF-style: chr3-38524816-G-A.
Other names: short protein forms S511N.
Identifiers: ClinVar variation 576208 (VCV000576208.1), dbSNP rs1559656538, ClinGen allele CA352135414.

ClinVar aggregate classification (germline): Uncertain significance (1 of 4 stars; one submission).

Conditions:
Heterotaxy, visceral, 4, autosomal (HTX4). Identifiers: Orphanet 450, MedGen C3151057, MONDO:0013403, OMIM 613751.

Allele frequency attached by ClinVar (database versions not stated): gnomAD exomes below 0.00001; gnomAD 0.00001.

Submission:

Labcorp Genetics (formerly Invitae), Labcorp
Classification: Uncertain significance for Heterotaxy, visceral, 4, autosomal. Last evaluated: 2018-01-29. Review status: criteria provided, single submitter. Criteria: Invitae Variant Classification Sherloc (09022015). Collection method: clinical testing. Allele origin: germline.
Comment: This sequence change replaces serine with asparagine at codon 511 of the ACVR2B protein (p.Ser511Asn). The serine residue is highly conserved and there is a small physicochemical difference between serine and asparagine. This variant is not present in population databases (ExAC no frequency). This variant has not been reported in the literature in individuals with ACVR2B-related disease. Algorithms developed to predict the effect of missense changes on protein structure and function do not agree on the potential impact of this missense change (SIFT: "Tolerated"; PolyPhen-2: "Possibly Damaging"; Align-GVGD: "Class C0"). In summary, the available evidence is currently insufficient to determine the role of this variant in disease. Therefore, it has been classified as a Variant of Uncertain Significance.